The following is an entry in ClinVar:

ClinVar aggregate classification (germline): Pathogenic (1 of 4 stars; one submission).

Conditions:
Osteogenesis imperfecta type 8 (OI8). Identifiers: MedGen C1970458, MONDO:0012581, OMIM 610915.

Submission:

Labcorp Genetics (formerly Invitae), Labcorp
Classification: Pathogenic for Osteogenesis imperfecta type 8. Last evaluated: 2025-10-23. Review status: criteria provided, single submitter. Criteria: Invitae Variant Classification Sherloc (09022015). Collection method: clinical testing. Allele origin: germline.
Comment: This sequence change creates a premature translational stop signal (p.Met32Lysfs*24) in the P3H1 gene. It is expected to result in an absent or disrupted protein product. Loss-of-function variants in P3H1 are known to be pathogenic (PMID: 17277775, 18566967, 19088120, 22281939). Information on the frequency of this variant in the gnomAD database is not available, as this variant may be reported differently in the database. This premature translational stop signal has been observed in individual(s) with osteogenesis imperfecta (PMID: 24498616). For these reasons, this variant has been classified as Pathogenic.

Literature cited by the submitters: PubMed 17277775; PubMed 18566967; PubMed 19088120; PubMed 22281939; PubMed 24498616.

NM_022356.4(P3H1):c.95_99delinsA (p.Met32fs)

Gene: P3H1 (prolyl 3-hydroxylase 1; minus strand). Cytogenetic location: 1p34.2.
Variant type: Indel.
Coding change: c.95_99delinsA on transcript NM_022356.4 (MANE Select); coding-DNA positions 95 to 99, TGGTG replaced by A.
Protein change: p.Met32fs; shifts the reading frame from methionine 32.
Molecular consequence: frameshift variant.
Genome position (GRCh38, 1-based): chr1:42,766,873-42,766,877, CACCA replaced by T on the plus strand (TGGTG replaced by A on the coding strand, the reverse complement: P3H1 is on the minus strand). VCF-style: chr1-42766873-CACCA-T. GRCh37 (hg19) VCF-style: chr1-43232544-CACCA-T.
Other names: c.95_99delinsA, p.Met32fs (NM_001146289.2, NM_001243246.2); short protein forms M32fs.
Identifiers: ClinVar variation 2966166 (VCV002966166.3), dbSNP rs2524516669, ClinGen allele CA2586966466.